The following is an entry in ClinVar:

NM_001164508.2(NEB):c.4523A>G (p.Glu1508Gly)

Gene: NEB (nebulin; minus strand). Cytogenetic location: 2q23.3.
Variant type: single nucleotide variant.
Coding change: c.4523A>G on transcript NM_001164508.2 (MANE Select); coding-DNA position 4523, A replaced by G.
Protein change: p.Glu1508Gly; replaces glutamic acid 1508 with glycine.
Molecular consequence: missense variant.
Genome position (GRCh38, 1-based): chr2:151,669,115, T>C on the plus strand (A>G on the coding strand, the complement: NEB is on the minus strand). VCF-style: chr2-151669115-T-C. GRCh37 (hg19) VCF-style: chr2-152525629-T-C.
Other names: c.4523A>G, p.Glu1508Gly (NM_001164507.2, NM_001271208.2, NM_004543.5); short protein forms E1508G.
Identifiers: ClinVar variation 2086569 (VCV002086569.4), dbSNP rs1219668652, ClinGen allele CA348815129.

ClinVar aggregate classification (germline): Uncertain significance (1 of 4 stars; one submission).

Conditions:
Nemaline myopathy 2 (NEM2). Also called: Nemaline myopathy 2, autosomal recessive. Identifiers: MedGen C1850569, MONDO:0009725, OMIM 256030.

gnomAD v4.1: 2 of 1,580,852 alleles (0.00013%); highest among the groups gnomAD compares: Non-Finnish European, 0.000086%; no homozygotes.

Submission:

Labcorp Genetics (formerly Invitae), Labcorp
Classification: Uncertain significance for Nemaline myopathy 2. Last evaluated: 2023-08-04. Review status: criteria provided, single submitter. Criteria: Invitae Variant Classification Sherloc (09022015). Collection method: clinical testing. Allele origin: germline.
Comment: This variant has not been reported in the literature in individuals affected with NEB-related conditions. ClinVar contains an entry for this variant (Variation ID: 2086569). Experimental studies and prediction algorithms are not available or were not evaluated, and the functional significance of this variant is currently unknown. In summary, the available evidence is currently insufficient to determine the role of this variant in disease. Therefore, it has been classified as a Variant of Uncertain Significance. This sequence change replaces glutamic acid, which is acidic and polar, with glycine, which is neutral and non-polar, at codon 1508 of the NEB protein (p.Glu1508Gly). This variant is not present in population databases (gnomAD no frequency).